The following is an entry in ClinVar:

ClinVar aggregate classification (germline): Likely pathogenic (1 of 4 stars; one submission).

Conditions:
Renal cysts and diabetes syndrome (RCAD). Also called: Familial hypoplastic, glomerulocystic kidney; MATURITY-ONSET DIABETES OF THE YOUNG, TYPE 5. Identifiers: Orphanet 93111, MedGen C0431693, MONDO:0007669, OMIM 137920.

Submission:

Institute of Human Genetics, FAU Erlangen, Friedrich-Alexander-Universität Erlangen-Nürnberg
Classification: Likely pathogenic for Renal cysts and diabetes syndrome. Last evaluated: 2019-07-06. Review status: criteria provided, single submitter. Criteria: ACMG Guidelines, 2015. Collection method: literature only. Allele origin: germline. Affected: yes.
Comment: This variant and it's classification has been reported by Vasileiou et al. 2019; DOI:10.1101/576918. The variants has previously been reported in PMID:20378641; PMID:25700310; PMID:20378641; PMID:24897035; PMID:25536396 as "c.494G->C,p.Arg165Pro; c.494G>C; c.494 G>c p.Arg165Pro; c.494G>C" with clinical significance Pathogenic. It has been re-classified using InterVar and manual curation as Likely pathogenic based on PM1 PM2 PM5 PP3 PP5.

Literature cited by the submitters: PubMed 20378641; PubMed 25700310; PubMed 24897035; PubMed 25536396; DOI 10.1101/576918.

NM_000458.4(HNF1B):c.494G>C (p.Arg165Pro)

Gene: HNF1B (HNF1 homeobox B; minus strand). Cytogenetic location: 17q12.
Variant type: single nucleotide variant.
Coding change: c.494G>C on transcript NM_000458.4 (MANE Select); coding-DNA position 494, G replaced by C.
Protein change: p.Arg165Pro; replaces arginine 165 with proline.
Molecular consequence: missense variant.
Genome position (GRCh38, 1-based): chr17:37,739,490, C>G on the plus strand (G>C on the coding strand, the complement: HNF1B is on the minus strand). VCF-style: chr17-37739490-C-G. GRCh37 (hg19) VCF-style: chr17-36099481-C-G.
Other names: c.494G>C, p.Arg165Pro (NM_001165923.4, NM_001304286.2); short protein forms R165P.
Identifiers: ClinVar variation 635683 (VCV000635683.1), dbSNP rs121918675, ClinGen allele CA398751241.